The following is an entry in ClinVar:

ClinVar aggregate classification (germline): Uncertain significance (1 of 4 stars; one submission).

Conditions:
COL1A2-related disorder. Also called: COL1A2-Related Disorders; COL1A2-related condition.

Submission:

PreventionGenetics, part of Exact Sciences
Classification: Uncertain significance for COL1A2-related condition. Last evaluated: 2026-04-28. Review status: criteria provided, single submitter. Criteria: ACMG Guidelines, 2015. Collection method: clinical testing. Allele origin: germline.
Comment: The COL1A2 c.692C>G variant is predicted to result in the amino acid substitution p.Ala231Gly. To our knowledge, this variant has not been reported in the literature or in a large population database (gnomAD), indicating this variant is rare. This variant is located near a splice junction, and is predicted to alter splicing based on available splicing prediction programs (SpliceAI, Jaganathan et al. 2019. PubMed ID: 30661751). At this time, the clinical significance of this variant is uncertain due to the absence of conclusive functional and genetic evidence.

NM_000089.4(COL1A2):c.692C>G (p.Ala231Gly)

Gene: COL1A2 (collagen type I alpha 2 chain; plus strand). Cytogenetic location: 7q21.3.
Variant type: single nucleotide variant.
Coding change: c.692C>G on transcript NM_000089.4 (MANE Select); coding-DNA position 692, C replaced by G.
Protein change: p.Ala231Gly; replaces alanine 231 with glycine.
Molecular consequence: missense variant.
Genome position (GRCh38, 1-based): chr7:94,408,235, C>G. VCF-style: chr7-94408235-C-G. GRCh37 (hg19) VCF-style: chr7-94037547-C-G.
Other names: short protein forms A231G.
Identifiers: ClinVar variation 4994976 (VCV004994976.1).